The following is an entry in ClinVar:

ClinVar aggregate classification (germline): Uncertain significance (1 of 4 stars; one submission).

Conditions:
Inborn genetic diseases. Identifiers: MedGen C0950123, MeSH D030342.

Submission:

Ambry Genetics
Classification: Uncertain significance for Inborn genetic diseases. Last evaluated: 2025-03-29. Review status: criteria provided, single submitter. Criteria: Ambry Variant Classification Scheme 2023. Collection method: clinical testing. Allele origin: germline.
Comment: The p.G240E variant (also known as c.719G>A), located in coding exon 1 of the SAMD9L gene, results from a G to A substitution at nucleotide position 719. The glycine at codon 240 is replaced by glutamic acid, an amino acid with similar properties. This amino acid position is conserved. In addition, the in silico prediction for this alteration is inconclusive. Based on the available evidence, the clinical significance of this variant remains unclear.

NM_152703.5(SAMD9L):c.719G>A (p.Gly240Glu)

Gene: SAMD9L (sterile alpha motif domain containing 9 like; minus strand). Cytogenetic location: 7q21.2.
Variant type: single nucleotide variant.
Coding change: c.719G>A on transcript NM_152703.5 (MANE Select); coding-DNA position 719, G replaced by A.
Protein change: p.Gly240Glu; replaces glycine 240 with glutamic acid.
Molecular consequence: missense variant.
Genome position (GRCh38, 1-based): chr7:93,135,253, C>T on the plus strand (G>A on the coding strand, the complement: SAMD9L is on the minus strand). VCF-style: chr7-93135253-C-T. GRCh37 (hg19) VCF-style: chr7-92764566-C-T.
Other names: c.719G>A, p.Gly240Glu (NM_001303496.3, NM_001303497.3, NM_001303498.3 and 5 more transcripts); short protein forms G240E.
Identifiers: ClinVar variation 3949785 (VCV003949785.1).